The following is an entry in ClinVar:

ClinVar aggregate classification (germline): Uncertain significance. Review status: criteria provided, multiple submitters, no conflicts (2 of 4 stars). 2 submissions from 2 submitters: Uncertain significance (2). Last evaluated 2025-08-20.

Submissions (2):

Dasa
Classification: Uncertain significance. Last evaluated: 2025-08-20. Review status: criteria provided, single submitter. Criteria: DASA Assertion Criteria. Collection method: clinical testing. Allele origin: germline.
Comment: NM_001130004.2(ACTN1):c.764C>T (p.Ala255Val) is a missense variant that results in the substitution of alanine with valine. This variant is rare in population databases. Computational prediction algorithms are consistent with a deleterious effect. The currently available literature and clinical evidence are not sufficient to establish a definitive association between this variant and the reported condition. Therefore, this variant is classified as a variant of uncertain significance.

Labcorp Genetics (formerly Invitae), Labcorp
Classification: Uncertain significance. Last evaluated: 2024-08-08. Review status: criteria provided, single submitter. Criteria: Invitae Variant Classification Sherloc (09022015). Collection method: clinical testing. Allele origin: germline.
Comment: This sequence change replaces alanine, which is neutral and non-polar, with valine, which is neutral and non-polar, at codon 255 of the ACTN1 protein (p.Ala255Val). This variant is present in population databases (rs773643865, gnomAD 0.005%). This variant has not been reported in the literature in individuals affected with ACTN1-related conditions. An algorithm developed to predict the effect of missense changes on protein structure and function (PolyPhen-2) suggests that this variant is likely to be disruptive. In summary, the available evidence is currently insufficient to determine the role of this variant in disease. Therefore, it has been classified as a Variant of Uncertain Significance.

NM_001130004.2(ACTN1):c.764C>T (p.Ala255Val)

Gene: ACTN1 (actinin alpha 1; minus strand). Cytogenetic location: 14q24.1.
Variant type: single nucleotide variant.
Coding change: c.764C>T on transcript NM_001130004.2 (MANE Select); coding-DNA position 764, C replaced by T.
Protein change: p.Ala255Val; replaces alanine 255 with valine.
Molecular consequence: missense variant. On other transcripts: 5 prime UTR variant (1).
Genome position (GRCh38, 1-based): chr14:68,893,746, G>A on the plus strand (C>T on the coding strand, the complement: ACTN1 is on the minus strand). VCF-style: chr14-68893746-G-A. GRCh37 (hg19) VCF-style: chr14-69360463-G-A.
Other names: c.764C>T, p.Ala255Val (NM_001102.4, NM_001130005.2, NM_001411035.1 and 9 more transcripts); c.569C>T, p.Ala190Val (NM_001411036.1, NM_001424026.1, NM_001424028.1); c.890C>T, p.Ala297Val (NM_001424013.1); c.851C>T, p.Ala284Val (NM_001424015.1); c.761C>T, p.Ala254Val (NM_001424017.1); c.701C>T, p.Ala234Val (NM_001424018.1, NM_001424020.1, NM_001424022.1); c.695C>T, p.Ala232Val (NM_001424021.1); c.-62C>T (NM_001424030.1); short protein forms A190V, A234V, A255V, A254V, A284V, A232V, A297V.
Identifiers: ClinVar variation 3696981 (VCV003696981.4).
Genomic context (GRCh38, chr14:68,893,746, plus strand): 5'-AGCTGCTCGTTCTCCTGGTTGACGGCCAACACCTTGCAGATGCGATTGGCTGCTGTCTCC[G>A]CCTGGCAACAAGACAGAGAGAGTCACGACCAGCCAGCCCCAGCAGCAGGGGCACCTGGTA-3'
Protein context (NP_001123476.1, residues 245-265): FYHAFSGAQK[Ala255Val]ETAANRICKV